The following is an entry in ClinVar:

ClinVar aggregate classification (germline): Uncertain significance (1 of 4 stars; one submission).

Submission:

Women's Health and Genetics/Laboratory Corporation of America, LabCorp
Classification: Uncertain significance. Last evaluated: 2025-06-18. Review status: criteria provided, single submitter. Criteria: LabCorp Variant Classification Summary - May 2015. Collection method: clinical testing. Allele origin: germline.
Comment: Variant summary: The variant involves the duplication of exons 1-16 in the KCTD19 gene. A presumed nomenclature of c.(?_-35)_(*138_?)dup has been designated for the purposes of this classification. This duplication includes the entire coding sequence of the gene. As exact breakpoints are unknown, it may extend beyond the annotated region of the gene, to include other flanking genes. The variant was absent in 21694 control chromosomes. The available data on variant occurrences in the general population are insufficient to allow any conclusion about variant significance. To our knowledge, no occurrence of c.(?_-35)_(*138_?)dup in individuals affected with KCTD19-Related Disorders and no experimental evidence demonstrating its impact on protein function have been reported. No submitters have cited clinical-significance assessments for this variant to ClinVar. Based on the evidence outlined above, the variant was classified as uncertain significance.

NC_000016.9:g.(?_67323334)_(67360645_?)dup

Genes: KCTD19 (potassium channel tetramerization domain containing 19; minus strand), PLEKHG4 (pleckstrin homology and RhoGEF domain containing G4; plus strand). Cytogenetic location: 16q22.1.
Variant type: Duplication.
Identifiers: ClinVar variation 3907030 (VCV003907030.1).